The following is an entry in ClinVar:

NM_178335.3(CCDC50):c.749A>G (p.Glu250Gly)

Gene: CCDC50 (coiled-coil domain containing 50; plus strand). Cytogenetic location: 3q28.
Variant type: single nucleotide variant.
Coding change: c.749A>G on transcript NM_178335.3 (MANE Select); coding-DNA position 749, A replaced by G.
Protein change: p.Glu250Gly; replaces glutamic acid 250 with glycine.
Molecular consequence: missense variant. On other transcripts: intron variant (1).
Genome position (GRCh38, 1-based): chr3:191,375,362, A>G. VCF-style: chr3-191375362-A-G. GRCh37 (hg19) VCF-style: chr3-191093151-A-G.
Other names: c.449-4797A>G (NM_174908.4); short protein forms E250G.
Identifiers: ClinVar variation 162856 (VCV000162856.4), dbSNP rs727502916, ClinGen allele CA175442.

ClinVar aggregate classification (germline): Likely benign (1 of 4 stars; one submission).

Submission:

Laboratory for Molecular Medicine, Mass General Brigham Personalized Medicine
Classification: Likely benign. Last evaluated: 2014-02-10. Review status: criteria provided, single submitter. Criteria: LMM Criteria. Collection method: clinical testing. Allele origin: germline. Observed: 1 variant allele.
Comment: Glu250Gly in Exon 6 of CCDC50: This variant is not expected to have clinical si gnificance due to a lack of conservation across species. Of note, several mammal s, including cat, dog, and ferret have a glycine (Gly) at this position despite high nearby amino acid conservation. In addition, computational analyses (AlignG VGD, PolyPhen2, and SIFT) do not suggest a high likelihood of impact to the prot ein.